The following is an entry in ClinVar:

NM_012330.4(KAT6B):c.2807A>G (p.His936Arg)

Gene: KAT6B (lysine acetyltransferase 6B; plus strand). Cytogenetic location: 10q22.2.
Variant type: single nucleotide variant.
Coding change: c.2807A>G on transcript NM_012330.4 (MANE Select); coding-DNA position 2807, A replaced by G.
Protein change: p.His936Arg; replaces histidine 936 with arginine.
Molecular consequence: missense variant.
Genome position (GRCh38, 1-based): chr10:75,020,759, A>G. VCF-style: chr10-75020759-A-G. GRCh37 (hg19) VCF-style: chr10-76780517-A-G.
Other names: c.2258A>G, p.His753Arg (NM_001256468.2, NM_001370138.1); c.1931A>G, p.His644Arg (NM_001256469.2, NM_001370139.1, NM_001370140.1 and 2 more transcripts); c.1769A>G, p.His590Arg (NM_001370132.1); c.1118A>G, p.His373Arg (NM_001370133.1); c.722A>G, p.His241Arg (NM_001370134.1); c.464A>G, p.His155Arg (NM_001370135.1); c.2807A>G, p.His936Arg (NM_001370136.1, NM_001370137.1); c.1742A>G, p.His581Arg (NM_001370143.1, NM_001370144.1); short protein forms H155R, H241R, H373R, H581R, H590R, H644R, H753R, H936R.
Identifiers: ClinVar variation 2419752 (VCV002419752.33), dbSNP rs144976646, ClinGen allele CA5564656.

ClinVar aggregate classification (germline): Conflicting classifications of pathogenicity. Review status: criteria provided, conflicting classifications (1 of 4 stars). 3 submissions from 3 submitters: Uncertain significance (2); Likely benign (1). Last evaluated 2025-09-14.

Conditions:
Genitopatellar syndrome (GTPTS). Also called: Genitopatellar syndrome (GPS); ABSENT PATELLAE, SCROTAL HYPOPLASIA, RENAL ANOMALIES, FACIAL DYSMORPHISM, AND MENTAL RETARDATION. Identifiers: Orphanet 85201, MedGen C1853566, MONDO:0011640, OMIM 606170.

Allele frequency attached by ClinVar (database versions not stated): ESP Exome Variant Server 0.00023; ExAC 0.00004; gnomAD exomes 0.00006; TOPMed 0.00006; gnomAD 0.00007.
gnomAD v4.1: 102 of 1,614,096 alleles (0.0063%); highest among the groups gnomAD compares: Non-Finnish European, 0.0081%; no homozygotes.

Submissions (3):

Labcorp Genetics (formerly Invitae), Labcorp
Classification: Uncertain significance for Genitopatellar syndrome. Last evaluated: 2025-09-14. Review status: criteria provided, single submitter. Criteria: Invitae Variant Classification Sherloc (09022015). Collection method: clinical testing. Allele origin: germline.
Comment: This sequence change replaces histidine, which is basic and polar, with arginine, which is basic and polar, at codon 936 of the KAT6B protein (p.His936Arg). This variant is present in population databases (rs144976646, gnomAD 0.008%). This variant has not been reported in the literature in individuals affected with KAT6B-related conditions. ClinVar contains an entry for this variant (Variation ID: 2419752). Invitae Evidence Modeling of protein sequence and biophysical properties (such as structural, functional, and spatial information, amino acid conservation, physicochemical variation, residue mobility, and thermodynamic stability) indicates that this missense variant is expected to disrupt KAT6B protein function with a positive predictive value of 80%. In summary, the available evidence is currently insufficient to determine the role of this variant in disease. Therefore, it has been classified as a Variant of Uncertain Significance.

Women's Health and Genetics/Laboratory Corporation of America, LabCorp
Classification: Uncertain significance. Last evaluated: 2025-04-03. Review status: criteria provided, single submitter. Criteria: LabCorp Variant Classification Summary - May 2015. Collection method: clinical testing. Allele origin: germline.
Comment: Variant summary: KAT6B c.2807A>G (p.His936Arg) results in a non-conservative amino acid change located in the Histone acetyltransferase domain, MYST-type (IPR002717) of the encoded protein sequence. Four of five in-silico tools predict a damaging effect of the variant on protein function. The variant allele was found at a frequency of 2e-05 in 250908 control chromosomes. The available data on variant occurrences in the general population are insufficient to allow any conclusion about variant significance. To our knowledge, no occurrence of c.2807A>G in individuals affected with KAT6B-Related Spectrum Disorders and no experimental evidence demonstrating its impact on protein function have been reported. ClinVar contains an entry for this variant (Variation ID: 2419752). Based on the evidence outlined above, the variant was classified as uncertain significance.

CeGaT Center for Human Genetics Tuebingen
Classification: Likely benign. Last evaluated: 2022-03-01. Review status: criteria provided, single submitter. Criteria: CeGaT Center For Human Genetics Tuebingen Variant Classification Criteria Version 2. Collection method: clinical testing. Allele origin: germline. Affected: yes. Observed: 1 variant allele.
Comment: KAT6B: PP3, BP1, BS2